The following is an entry in ClinVar:

NM_001042492.3(NF1):c.5674_5675insA (p.Leu1892fs)

Gene: NF1 (neurofibromin 1; plus strand). Cytogenetic location: 17q11.2.
Variant type: Insertion.
Coding change: c.5674_5675insA on transcript NM_001042492.3 (MANE Select); coding-DNA positions 5674 to 5675, A inserted.
Protein change: p.Leu1892fs; shifts the reading frame from leucine 1892.
Molecular consequence: frameshift variant.
Genome position: GRCh38 VCF-style: chr17-31330360-T-TA. GRCh37 (hg19) VCF-style: chr17-29657378-T-TA.
Other names: c.5611_5612insA, p.Leu1871fs (NM_000267.4); short protein forms L1871fs, L1892fs.
Identifiers: ClinVar variation 5018826 (VCV005018826.1).
Genomic context (GRCh38, chr17:31,330,360, plus strand): 5'-GCTGCCTATAATCTTCTGTGTGCCTTAACTTGTACCTTTAATTTAAAAATCGAGGGCCAG[T>TA]TACTAGAGACATCAGGTTTATGTATCCCTGCCAACAACACCCTCTTTATTGTCTCTATTA-3'

ClinVar aggregate classification (germline): Likely pathogenic (1 of 4 stars; one submission).

Conditions:
Neurofibromatosis, type 1 (NF1). Also called: VON RECKLINGHAUSEN DISEASE; NEUROFIBROMATOSIS, TYPE I, SOMATIC; Peripheral type neurofibromatosis; Neurofibromatosis, type I. Identifiers: Orphanet 636, MedGen C0027831, MONDO:0018975, OMIM 162200. Disease mechanism: loss of function.
Café-au-lait macules with pulmonary stenosis (WTSN). Also called: PULMONIC STENOSIS WITH CAFE-AU-LAIT SPOTS. Identifiers: MedGen C0553586, MONDO:0008672, OMIM 193520.
Neurofibromatosis-Noonan syndrome (NFNS). Also called: NEUROFIBROMATOSIS WITH NOONAN PHENOTYPE. Identifiers: Orphanet 638, MedGen C2931482, MONDO:0011035, OMIM 601321. Disease mechanism: loss of function.
Neurofibromatosis, familial spinal (FSNF). Identifiers: Orphanet 636, MedGen C1834235, MONDO:0008078, OMIM 162210. Disease mechanism: loss of function.
Juvenile myelomonocytic leukemia (JMML). Also called: LEUKEMIA, JUVENILE MYELOMONOCYTIC, SOMATIC. Identifiers: Orphanet 86834, MedGen C0349639, MONDO:0011908, OMIM 607785, HP:0012209.

Submission:

Juno Genomics, Hangzhou Juno Genomics, Inc
Classification: Likely pathogenic for Café-au-lait macules with pulmonary stenosis; Neurofibromatosis, type 1; Juvenile myelomonocytic leukemia; Neurofibromatosis, familial spinal; Neurofibromatosis-Noonan syndrome. Review status: criteria provided, single submitter. Criteria: ACMG Guidelines, 2015. Collection method: clinical testing. Allele origin: germline. Affected: yes.
Comment: Absent from controls (or at extremely low frequency if recessive) in Genome Aggregation Database.;Null variant in a gene where loss of function (LOF) is a known mechanism of disease.